The following is an entry in ClinVar:

ClinVar aggregate classification (germline): Likely benign (1 of 4 stars; one submission).

Conditions:
SEPN1-related disorder. Also called: SEPN1-Related Disorders. Identifiers: MedGen CN239420.

Allele frequency attached by ClinVar (database versions not stated): gnomAD 0.02090 and 0.01947; TOPMed 0.02110; 1000 Genomes Project 0.02216; 1000 Genomes Project 30x 0.02420.

Submission:

Illumina Laboratory Services, Illumina
Classification: Likely benign for SEPN1-Related Disorders. Last evaluated: 2017-04-27. Review status: criteria provided, single submitter. Criteria: ICSL Variant Classification Criteria 13 December 2019. Collection method: clinical testing. Allele origin: germline.
Comment: This variant was observed as part of a predisposition screen in an ostensibly healthy population. A literature search was performed for the gene, cDNA change, and amino acid change (where applicable). No publications were found based on this search. Allele frequency data from public databases allowed determination this variant is unlikely to cause disease. Therefore, this variant is classified as likely benign.

NM_206926.2(SELENON):c.*780C>T

Gene: SELENON (selenoprotein N; plus strand). Cytogenetic location: 1p36.11.
Variant type: single nucleotide variant.
Coding change: c.*780C>T on transcript NM_206926.2 (MANE Select); 780 bases downstream of the stop codon, C replaced by T.
Molecular consequence: 3 prime UTR variant.
Genome position (GRCh38, 1-based): chr1:25,816,498, C>T. VCF-style: chr1-25816498-C-T. GRCh37 (hg19) VCF-style: chr1-26142989-C-T.
Other names: c.*780C>T (NM_020451.3).
Identifiers: ClinVar variation 297043 (VCV000297043.5), dbSNP rs11556312, ClinGen allele CA10610837.